The following is an entry in ClinVar:

ClinVar aggregate classification (germline): Uncertain significance (1 of 4 stars; one submission).

Conditions:
Agammaglobulinemia 4, autosomal recessive (AGM4). Also called: AGAMMAGLOBULINEMIA, AUTOSOMAL RECESSIVE, DUE TO BLNK DEFECT; B cell linker protein deficiency. Identifiers: MedGen C3150752, MONDO:0013289, OMIM 613502.

Allele frequency attached by ClinVar (database versions not stated): gnomAD exomes below 0.00001; TOPMed below 0.00001; ExAC 0.00001.
gnomAD v4.1: 2 of 1,613,906 alleles (0.00012%); highest among the groups gnomAD compares: Non-Finnish European, 0.00017%; no homozygotes.

Submission:

Labcorp Genetics (formerly Invitae), Labcorp
Classification: Uncertain significance for Agammaglobulinemia 4, autosomal recessive. Last evaluated: 2021-01-19. Review status: criteria provided, single submitter. Criteria: Invitae Variant Classification Sherloc (09022015). Collection method: clinical testing. Allele origin: germline.
Comment: In summary, the available evidence is currently insufficient to determine the role of this variant in disease. Therefore, it has been classified as a Variant of Uncertain Significance. Algorithms developed to predict the effect of missense changes on protein structure and function (SIFT, PolyPhen-2, Align-GVGD) all suggest that this variant is likely to be tolerated, but these predictions have not been confirmed by published functional studies and their clinical significance is uncertain. This variant has not been reported in the literature in individuals with BLNK-related conditions. This variant is present in population databases (rs781989662, ExAC 0.001%). This sequence change replaces glutamine with arginine at codon 160 of the BLNK protein (p.Gln160Arg). The glutamine residue is moderately conserved and there is a small physicochemical difference between glutamine and arginine.

NM_013314.4(BLNK):c.479A>G (p.Gln160Arg)

Gene: BLNK (B cell linker; minus strand). Cytogenetic location: 10q24.1.
Variant type: single nucleotide variant.
Coding change: c.479A>G on transcript NM_013314.4 (MANE Select); coding-DNA position 479, A replaced by G.
Protein change: p.Gln160Arg; replaces glutamine 160 with arginine.
Molecular consequence: missense variant. On other transcripts: non-coding transcript variant (1), intron variant (1).
Genome position (GRCh38, 1-based): chr10:96,223,872, T>C on the plus strand (A>G on the coding strand, the complement: BLNK is on the minus strand). VCF-style: chr10-96223872-T-C. GRCh37 (hg19) VCF-style: chr10-97983628-T-C.
Other names: c.479A>G, p.Gln160Arg (NM_001114094.2, NM_001258440.2, NM_001258441.2); c.349+3550A>G (NM_001258442.2); short protein forms Q160R.
Identifiers: ClinVar variation 1365807 (VCV001365807.6), dbSNP rs781989662, ClinGen allele CA5623459.
Genomic context (GRCh38, chr10:96,223,872, plus strand): 5'-CAGATTTACTTTACCTCATCCTCAAGGAGGCCTTTGGGTTTGGGTGGGACTTGAGGTTTC[T>C]GCAAAGCAGTCAGGGCCGGCAGGGTGGAGGTGAGCCTTGCTTTCTCTGAAGGCCAGCTGG-3'
Protein context (NP_037446.1, residues 150-170): TSTLPALTAL[Gln160Arg]KPQVPPKPKG